The following is an entry in ClinVar:

ClinVar aggregate classification (germline): Uncertain significance. Review status: criteria provided, multiple submitters, no conflicts (2 of 4 stars). 3 submissions from 3 submitters: Uncertain significance (3). Last evaluated 2025-08-15.

Conditions:
Diabetes mellitus type 1 (T1D). Also called: Type I diabetes mellitus; Diabetes Mellitus, Juvenile-Onset. Identifiers: MedGen C0011854, MONDO:0005147, OMIM 222100, HP:0100651.
Type 2 diabetes mellitus. Also called: Type II diabetes mellitus. Identifiers: MedGen C0011860, MeSH D003924, MONDO:0005148, OMIM 125853, HP:0005978.
Maturity-onset diabetes of the young type 3. Also called: MODY type 3; MODY, type III. Identifiers: Orphanet 552, MedGen C1838100, MeSH C563933, MONDO:0010894, OMIM 600496. Disease mechanism: loss of function.
Type 1 diabetes mellitus 20 (T1D20). Also called: Diabetes mellitus, insulin-dependent, 20. Identifiers: MedGen C2675866, MONDO:0012919, OMIM 612520.
Maturity-onset diabetes of the young type 13. Also called: MODY, TYPE 13. Identifiers: Orphanet 552, MedGen C4225365, MONDO:0014589, OMIM 616329.
Diabetes mellitus, transient neonatal, 3 (TNDM3). Identifiers: Orphanet 99886, MedGen C1864623, MONDO:0012522, OMIM 610582. Disease mechanism: loss of function.
Hyperinsulinemic hypoglycemia, familial, 2. Also called: HYPERINSULINEMIC HYPOGLYCEMIA, PERSISTENT; HYPERINSULINISM, NEONATAL. Identifiers: Orphanet 276580, Orphanet 276603, MedGen C2931833, MONDO:0011153, OMIM 601820. Disease mechanism: loss of function.
Diabetes mellitus, permanent neonatal 2. Also called: KCNJ11-Related Permanent Neonatal Diabetes Mellitus. Identifiers: MedGen C5394296, MONDO:0030087, OMIM 618856.

Allele frequency attached by ClinVar (database versions not stated): gnomAD 0.00001; TOPMed 0.00002.

Submissions (3):

GeneDx
Classification: Uncertain significance. Last evaluated: 2025-08-15. Review status: criteria provided, single submitter. Criteria: GeneDx Variant Classification Process June 2021. Collection method: clinical testing. Allele origin: germline. Affected: yes.
Comment: Not observed at significant frequency in large population cohorts (gnomAD); In silico analysis suggests that this missense variant does not alter protein structure/function; Has not been previously published as pathogenic or benign to our knowledge

Fulgent Genetics
Classification: Uncertain significance for Type 2 diabetes mellitus; Hyperinsulinemic hypoglycemia, familial, 2; Diabetes mellitus, transient neonatal, 3; Maturity-onset diabetes of the young type 13; Diabetes mellitus, permanent neonatal 2. Last evaluated: 2024-04-17. Review status: criteria provided, single submitter. Criteria: ACMG Guidelines, 2015. Collection method: clinical testing. Allele origin: germline.

New York Genome Center
Classification: Uncertain significance for Type 2 diabetes mellitus; Diabetes mellitus type 1; Type 1 diabetes mellitus 20; Maturity-onset diabetes of the young type 3. Last evaluated: 2022-11-10. Review status: criteria provided, single submitter. Criteria: NYGC Assertion Criteria 2020. Collection method: clinical testing. Allele origin: germline. Observed: 1 heterozygote.
Comment: The c.61C>A variant in KCNJ11 has not previously been reported in the literature or public variant repositories (ClinVar). The c.61C>A variant is observed in 12 alleles (~0.0022% minor allele frequency with 0 homozygotes) in population databases (gnomAD v2.1.1 and v3.1.2, TOPMed Freeze 8, All of Us), suggesting it is not a common benign variant in the populations represented in those databases. The c.61C>A variant in KCNJ11 is located in the N-terminal domain of this 1-exon gene, and predicted to replace a moderately conserved proline amino acid with threonine at position 21 p.(Pro21Thr). In silico predictions are not in favor of damaging effect for p.(Pro21Thr) [CADD v1.6 = 18.95, REVEL = 0.436]; however, there are no functional studies to support or refute these predictions. Variants nearby p.(Pro21) residue within the N-terminal domain have been reported in the literature [PMID: 24421282, 24686051]. and ClinVar [ClinVar ID: 1219242] in individuals with familial hyperinsulinemic hypoglycemia. Based on available evidence this c.61C>A p.(Pro21Thr) variant identified in KCNJ11 is classified as a Variant of Uncertain Significance.

NM_000525.4(KCNJ11):c.61C>A (p.Pro21Thr)

Gene: KCNJ11 (potassium inwardly rectifying channel subfamily J member 11; minus strand). Cytogenetic location: 11p15.1.
Variant type: single nucleotide variant.
Coding change: c.61C>A on transcript NM_000525.4 (MANE Select); coding-DNA position 61, C replaced by A.
Protein change: p.Pro21Thr; replaces proline 21 with threonine.
Molecular consequence: missense variant. On other transcripts: 5 prime UTR variant (1), intron variant (2).
Genome position (GRCh38, 1-based): chr11:17,388,031, G>T on the plus strand (C>A on the coding strand, the complement: KCNJ11 is on the minus strand). VCF-style: chr11-17388031-G-T. GRCh37 (hg19) VCF-style: chr11-17409578-G-T.
Other names: c.-30C>A (NM_001377296.1); c.-16-185C>A (NM_001166290.2, NM_001377297.1); short protein forms P21T.
Identifiers: ClinVar variation 2584620 (VCV002584620.3), dbSNP rs1393796559, ClinGen allele CA379777433.